The following is an entry in ClinVar:

ClinVar aggregate classification (germline): Conflicting classifications of pathogenicity. Review status: criteria provided, conflicting classifications (1 of 4 stars). 4 submissions from 4 submitters: Uncertain significance (2); Likely benign (2). Last evaluated 2026-06-16.

Conditions:
Zellweger spectrum disorders (ZS). Also called: Zellweger Spectrum Disorder (ZSD); Zellweger Spectrum Disorder; Zellweger Spectrum; Zellweger syndrome. Identifiers: Orphanet 912, MedGen C0043459, MONDO:0019609.
PEX1-related disorder. Also called: PEX1-related condition.
Inborn genetic diseases. Identifiers: MedGen C0950123, MeSH D030342.

Allele frequency attached by ClinVar (database versions not stated): gnomAD 0.00001; ExAC 0.00003; gnomAD exomes 0.00003; ESP Exome Variant Server 0.00008.
gnomAD v4.1: 44 of 1,613,926 alleles (0.0027%); highest among the groups gnomAD compares: Middle Eastern, 0.099%; no homozygotes.

Submissions (4):

PreventionGenetics, part of Exact Sciences
Classification: Uncertain significance for PEX1-related condition. Last evaluated: 2026-06-16. Review status: criteria provided, single submitter. Criteria: ACMG Guidelines, 2015. Collection method: clinical testing. Allele origin: germline.
Comment: The PEX1 c.3483G>C variant is predicted to result in the amino acid substitution p.Leu1161Phe. To our knowledge, this variant has not been reported in the literature. This variant is reported in 0.0098% of alleles in individuals of South Asian descent in gnomAD. At this time, the clinical significance of this variant is uncertain due to the absence of conclusive functional and genetic evidence.

Ambry Genetics
Classification: Likely benign for Inborn genetic diseases. Last evaluated: 2025-03-03. Review status: criteria provided, single submitter. Criteria: Ambry Variant Classification Scheme 2023. Collection method: clinical testing. Allele origin: germline.

Blueprint Genetics
Classification: Likely benign. Last evaluated: 2024-10-18. Review status: criteria provided, single submitter. Criteria: ACMG Guidelines, 2015. Collection method: clinical testing. Allele origin: germline.

Labcorp Genetics (formerly Invitae), Labcorp
Classification: Uncertain significance for Zellweger spectrum disorders. Last evaluated: 2022-06-04. Review status: criteria provided, single submitter. Criteria: Invitae Variant Classification Sherloc (09022015). Collection method: clinical testing. Allele origin: germline.
Comment: This sequence change replaces leucine, which is neutral and non-polar, with phenylalanine, which is neutral and non-polar, at codon 1161 of the PEX1 protein (p.Leu1161Phe). This variant is present in population databases (rs375607384, gnomAD 0.01%). This variant has not been reported in the literature in individuals affected with PEX1-related conditions. ClinVar contains an entry for this variant (Variation ID: 1441026). Advanced modeling of protein sequence and biophysical properties (such as structural, functional, and spatial information, amino acid conservation, physicochemical variation, residue mobility, and thermodynamic stability) performed at Invitae indicates that this missense variant is not expected to disrupt PEX1 protein function. In summary, the available evidence is currently insufficient to determine the role of this variant in disease. Therefore, it has been classified as a Variant of Uncertain Significance.

NM_000466.3(PEX1):c.3483G>C (p.Leu1161Phe)

Genes: GATAD1 (GATA zinc finger domain containing 1; plus strand), PEX1 (peroxisomal biogenesis factor 1; minus strand). Cytogenetic location: 7q21.2.
Variant type: single nucleotide variant.
Coding change: c.3483G>C on transcript NM_000466.3 (MANE Select); coding-DNA position 3483, G replaced by C.
Protein change: p.Leu1161Phe; replaces leucine 1161 with phenylalanine.
Molecular consequence: missense variant.
Genome position (GRCh38, 1-based): chr7:92,489,867, C>G on the plus strand (G>C on the coding strand, the complement: PEX1 is on the minus strand). VCF-style: chr7-92489867-C-G. GRCh37 (hg19) VCF-style: chr7-92119181-C-G.
Other names: c.3483G>C (NM_000466.2); c.3312G>C, p.Leu1104Phe (NM_001282677.2); c.2859G>C, p.Leu953Phe (NM_001282678.2); short protein forms L1104F, L1161F, L953F.
Identifiers: ClinVar variation 1441026 (VCV001441026.7), dbSNP rs375607384, ClinGen allele CA4340810.
Genomic context (GRCh38, chr7:92,489,867, plus strand): 5'-TGAAGCTGTCCTTAACACTGGAGGCTGTGAAAACAACTGGTCTTTCCCAGGAACTCCAGG[C>G]AAATCCTGAGTCATGGAGCTTGGTGCAGAGAGACATTGTGAGCTCTGCATGGTAAATTGT-3'
Protein context (NP_000457.1, residues 1151-1171): LSAPSSMTQD[Leu1161Phe]PGVPGKDQLF